The following is an entry in ClinVar:

ClinVar aggregate classification (germline): Uncertain significance (1 of 4 stars; one submission).

Conditions:
Hereditary cancer-predisposing syndrome. Also called: Neoplastic Syndromes, Hereditary; Tumor predisposition; Hereditary neoplastic syndrome; Hereditary Cancer Syndrome. Identifiers: Orphanet 140162, MedGen C0027672, MeSH D009386, MONDO:0015356.

Submission:

Ambry Genetics
Classification: Uncertain significance for Hereditary cancer-predisposing syndrome. Last evaluated: 2023-01-18. Review status: criteria provided, single submitter. Criteria: Ambry Variant Classification Scheme 2023. Collection method: clinical testing. Allele origin: germline.
Comment: The c.1549_1559del11 variant, located in coding exon 16 of the MUTYH gene, results from a deletion of 11 nucleotides at nucleotide positions 1549 to 1559, causing a translational frameshift with a predicted alternate stop codon (p.C517Kfs*11). This alteration occurs at the 3' terminus of theMUTYH gene, is not expected to trigger nonsense-mediated mRNAdecay, and only impacts the last 33 amino acids of the protein. The exact functional effect of this alteration is unknown. This variant is considered to be rare based on population cohorts in the Genome Aggregation Database (gnomAD). Since supporting evidence is limited at this time, the clinical significance of this alteration remains unclear.

NM_001048174.2(MUTYH):c.1465_1475del (p.Cys489fs)

Gene: MUTYH (mutY DNA glycosylase; minus strand). Cytogenetic location: 1p34.1.
Variant type: Deletion.
Coding change: c.1465_1475del on transcript NM_001048174.2 (MANE Select); coding-DNA positions 1465 to 1475, 11 bases deleted (TGCAGTCGGAA).
Protein change: p.Cys489fs; shifts the reading frame from cysteine 489.
Molecular consequence: frameshift variant. On other transcripts: non-coding transcript variant (7).
Genome position (GRCh38, 1-based): chr1:45,329,397-45,329,407, TTCCGACTGCA deleted on the plus strand (TGCAGTCGGAA on the coding strand, the reverse complement: MUTYH is on the minus strand). VCF-style (leftmost placement, unchanged base first): chr1-45329396-TTTCCGACTGCA-T. GRCh37 (hg19) VCF-style: chr1-45795068-TTTCCGACTGCA-T.
Other names: c.1465_1475del, p.Cys489fs (NM_001048171.2, NM_001048173.2, NM_001293195.2 and 6 more transcripts); c.1468_1478del, p.Cys490fs (NM_001048172.2, NM_001407071.1, NM_001407078.1 and 1 more transcripts); c.1549_1559del, p.Cys517fs (NM_001128425.2); c.1510_1520del, p.Cys504fs (NM_001293190.2); c.1498_1508del, p.Cys500fs (NM_001293191.2, NM_001407069.1, NM_001407077.1); c.1189_1199del, p.Cys397fs (NM_001293192.2, NM_001293196.2, NM_001407091.1); c.1120_1130del, p.Cys374fs (NM_001350650.2, NM_001350651.2, NM_001407082.1); c.1381_1391del, p.Cys461fs (NM_001407075.1); and 6 more; short protein forms C397fs, C476fs, C374fs, C489fs, C490fs, C496fs, C503fs, C475fs.
Identifiers: ClinVar variation 2453358 (VCV002453358.2), dbSNP rs2523745515, ClinGen allele CA2580062909.